The following is an entry in ClinVar:

NC_000016.10:g.3256982C>A

Gene: MEFV (MEFV innate immunity regulator, pyrin; minus strand). Cytogenetic location: 16p13.3.
Variant type: single nucleotide variant.
Genome position: GRCh38 VCF-style: chr16-3256982-C-A. GRCh37 (hg19) VCF-style: chr16-3306982-C-A.
Identifiers: ClinVar variation 4987389 (VCV004987389.1).

ClinVar aggregate classification (germline): Likely benign (1 of 4 stars; one submission).

Conditions:
MEFV-related disorder. Also called: MEFV-related disorders; MEFV-related condition.

Submission:

PreventionGenetics, part of Exact Sciences
Classification: Likely benign for MEFV-related condition. Last evaluated: 2025-07-22. Review status: criteria provided, single submitter. Criteria: ACMG Guidelines, 2015. Collection method: clinical testing. Allele origin: germline.
Comment: This variant is classified as likely benign based on ACMG/AMP sequence variant interpretation guidelines (Richards et al. 2015 PMID: 25741868, with internal and published modifications).